The following is an entry in ClinVar:

ClinVar aggregate classification (germline): Uncertain significance (1 of 4 stars; one submission).

Conditions:
Cardiovascular phenotype. Identifiers: MedGen CN230736.

Submission:

Ambry Genetics
Classification: Uncertain significance for Cardiovascular phenotype. Last evaluated: 2026-05-16. Review status: criteria provided, single submitter. Criteria: Ambry Variant Classification Scheme 2023. Collection method: clinical testing. Allele origin: germline.
Comment: The p.A658T variant (also known as c.1972G>A), located in coding exon 15 of the ENG gene, results from a G to A substitution at nucleotide position 1972. The alanine at codon 658 is replaced by threonine, an amino acid with similar properties. This amino acid position is conserved. In addition, this alteration is predicted to be tolerated by in silico analysis. Based on the available evidence, the clinical significance of this variant remains unclear.

NM_001114753.3(ENG):c.1972G>A (p.Ala658Thr)

Gene: ENG (endoglin; minus strand). Cytogenetic location: 9q34.11.
Variant type: single nucleotide variant.
Coding change: c.1972G>A on transcript NM_001114753.3 (MANE Select); coding-DNA position 1972, G replaced by A.
Protein change: p.Ala658Thr; replaces alanine 658 with threonine.
Molecular consequence: missense variant. On other transcripts: 3 prime UTR variant (1).
Genome position (GRCh38, 1-based): chr9:127,815,687, C>T on the plus strand (G>A on the coding strand, the complement: ENG is on the minus strand). VCF-style: chr9-127815687-C-T. GRCh37 (hg19) VCF-style: chr9-130577966-C-T.
Other names: c.*230G>A (NM_000118.4); c.1426G>A, p.Ala476Thr (NM_001278138.2); short protein forms A476T, A658T.
Identifiers: ClinVar variation 4870471 (VCV004870471.1).
Genomic context (GRCh38, chr9:127,815,687, plus strand): 5'-CTCCCAGCTGGCGGCTGCTCAGTCTCTCCTGCTGGGCGAGCGCGGGGGGCCGGGGCTATG[C>T]CATGCTGCTGGTGGAGCAGGGGGTGCTCTGGGTGCTCCCGATGCTGTGGTTGGTGCTGCT-3'
Protein context (NP_001108225.1, residues 648-658): QSTPCSTSSM[Ala658Thr]